The following is an entry in ClinVar:

NM_001393769.1(MED12L):c.3951G>A (p.Met1317Ile)

Genes: MED12L (mediator complex subunit 12L; plus strand), P2RY12 (purinergic receptor P2Y12; minus strand). Cytogenetic location: 3q25.1.
Variant type: single nucleotide variant.
Coding change: c.3951G>A on transcript NM_001393769.1 (MANE Select); coding-DNA position 3951, G replaced by A.
Protein change: p.Met1317Ile; replaces methionine 1317 with isoleucine.
Molecular consequence: missense variant. On other transcripts: intron variant (1).
Genome position (GRCh38, 1-based): chr3:151,376,112, G>A. VCF-style: chr3-151376112-G-A. GRCh37 (hg19) VCF-style: chr3-151093900-G-A.
Other names: c.3846G>A, p.Met1282Ile (NM_053002.6); c.-180+8580C>T (NM_022788.5); short protein forms M1282I, M1317I.
Identifiers: ClinVar variation 4891226 (VCV004891226.1).

ClinVar aggregate classification (germline): Uncertain significance (1 of 4 stars; one submission).

Submission:

Greenwood Genetic Center Diagnostic Laboratories, Greenwood Genetic Center
Classification: Uncertain significance. Last evaluated: 2026-04-14. Review status: criteria provided, single submitter. Criteria: ACMG Guidelines, 2015. Collection method: clinical testing. Allele origin: germline.
Comment: PM2, BP4